The following is an entry in ClinVar:

NM_014844.5(TECPR2):c.1586G>C (p.Ser529Thr)

Gene: TECPR2 (tectonin beta-propeller repeat containing 2; plus strand). Cytogenetic location: 14q32.31.
Variant type: single nucleotide variant.
Coding change: c.1586G>C on transcript NM_014844.5 (MANE Select); coding-DNA position 1586, G replaced by C.
Protein change: p.Ser529Thr; replaces serine 529 with threonine.
Molecular consequence: missense variant.
Genome position (GRCh38, 1-based): chr14:102,434,403, G>C. VCF-style: chr14-102434403-G-C. GRCh37 (hg19) VCF-style: chr14-102900740-G-C.
Other names: c.1586G>C, p.Ser529Thr (NM_001172631.3); short protein forms S529T.
Identifiers: ClinVar variation 1496527 (VCV001496527.6), dbSNP rs2139730562, ClinGen allele CA391059759.

ClinVar aggregate classification (germline): Uncertain significance (1 of 4 stars; one submission).

Conditions:
Hereditary spastic paraplegia 49 (HSAN9). Also called: Spastic paraplegia 49, autosomal recessive; TECPR2-Related Hereditary Sensory and Autonomic Neuropathy with Intellectual Disability; NEUROPATHY, HEREDITARY SENSORY AND AUTONOMIC, TYPE IX, WITH DEVELOPMENTAL DELAY. Identifiers: Orphanet 320385, MedGen C5190860, MONDO:0014016, OMIM 615031.

Submission:

Labcorp Genetics (formerly Invitae), Labcorp
Classification: Uncertain significance for Hereditary spastic paraplegia 49. Last evaluated: 2022-03-18. Review status: criteria provided, single submitter. Criteria: Invitae Variant Classification Sherloc (09022015). Collection method: clinical testing. Allele origin: germline.
Comment: This sequence change replaces serine, which is neutral and polar, with threonine, which is neutral and polar, at codon 529 of the TECPR2 protein (p.Ser529Thr). This variant is not present in population databases (gnomAD no frequency). This variant has not been reported in the literature in individuals affected with TECPR2-related conditions. Algorithms developed to predict the effect of missense changes on protein structure and function output the following: SIFT: "Tolerated"; PolyPhen-2: "Benign"; Align-GVGD: "Class C0". The threonine amino acid residue is found in multiple mammalian species, which suggests that this missense change does not adversely affect protein function. In summary, the available evidence is currently insufficient to determine the role of this variant in disease. Therefore, it has been classified as a Variant of Uncertain Significance.